The following is an entry in ClinVar:

ClinVar aggregate classification (germline): Benign. Review status: criteria provided, multiple submitters, no conflicts (2 of 4 stars). 4 submissions from 3 submitters: Benign (4). Last evaluated 2021-07-10.

Conditions:
Meckel syndrome, type 5 (MKS5). Identifiers: Orphanet 564, MedGen C1969052, MONDO:0012695, OMIM 611561.
Joubert syndrome 7 (JBTS7). Identifiers: Orphanet 220497, MedGen C1969053, MONDO:0012694, OMIM 611560.

Allele frequency attached by ClinVar (database versions not stated): gnomAD exomes 0.16160; gnomAD 0.22379 and 0.22542; TOPMed 0.24251; 1000 Genomes Project 0.31809; 1000 Genomes Project 30x 0.32027.
gnomAD v4.1: 132,232 of 752,942 alleles (18%); highest among the groups gnomAD compares: African/African-American, 43%; 16,304 homozygotes.

Submissions (4):

Genome-Nilou Lab
Classification: Benign for Joubert syndrome 7. Last evaluated: 2021-07-10. Review status: criteria provided, single submitter. Criteria: ACMG Guidelines, 2015. Collection method: clinical testing. Allele origin: germline. Affected: no.

Genome-Nilou Lab
Classification: Benign for Meckel syndrome, type 5. Last evaluated: 2021-07-10. Review status: criteria provided, single submitter. Criteria: ACMG Guidelines, 2015. Collection method: clinical testing. Allele origin: germline. Affected: no.

GeneDx
Classification: Benign. Last evaluated: 2018-06-16. Review status: criteria provided, single submitter. Criteria: GeneDx Variant Classification (06012015). Collection method: clinical testing. Allele origin: germline. Affected: yes.
Comment: This variant is considered likely benign or benign based on one or more of the following criteria: it is a conservative change, it occurs at a poorly conserved position in the protein, it is predicted to be benign by multiple in silico algorithms, and/or has population frequency not consistent with disease.

Breakthrough Genomics
Classification: Benign. Review status: criteria provided, single submitter. Criteria: ACMG Guidelines, 2015. Collection method: not provided. Allele origin: germline. Inheritance: Autosomal recessive inheritance. Affected: yes.

NM_015272.5(RPGRIP1L):c.1401+127A>G

Gene: RPGRIP1L (RPGRIP1 like; minus strand). Cytogenetic location: 16q12.2.
Variant type: single nucleotide variant.
Coding change: c.1401+127A>G on transcript NM_015272.5 (MANE Select); 127 bases into the intron after coding-DNA position 1401, A replaced by G.
Molecular consequence: intron variant.
Genome position (GRCh38, 1-based): chr16:53,658,287, T>C on the plus strand (A>G on the coding strand, the complement: RPGRIP1L is on the minus strand). VCF-style: chr16-53658287-T-C. GRCh37 (hg19) VCF-style: chr16-53692199-T-C.
Other names: c.1401+127A>G (NM_001127897.4, NM_001330538.2, NM_001308334.3).
Identifiers: ClinVar variation 672894 (VCV000672894.5), dbSNP rs7192060, ClinGen allele CA281347467.